The following is an entry in ClinVar:

NM_022051.3(EGLN1):c.500A>G (p.Asn167Ser)

Gene: EGLN1 (egl-9 family hypoxia inducible factor 1; minus strand). Cytogenetic location: 1q42.2.
Variant type: single nucleotide variant.
Coding change: c.500A>G on transcript NM_022051.3 (MANE Select); coding-DNA position 500, A replaced by G.
Protein change: p.Asn167Ser; replaces asparagine 167 with serine.
Molecular consequence: missense variant.
Genome position (GRCh38, 1-based): chr1:231,421,389, T>C on the plus strand (A>G on the coding strand, the complement: EGLN1 is on the minus strand). VCF-style: chr1-231421389-T-C. GRCh37 (hg19) VCF-style: chr1-231557135-T-C.
Other names: c.500A>G, p.Asn167Ser (NM_001377260.1, NM_001377261.1); short protein forms N167S.
Identifiers: ClinVar variation 2565137 (VCV002565137.3), dbSNP rs1263102515, ClinGen allele CA345236782.

ClinVar aggregate classification (germline): Uncertain significance (1 of 4 stars; one submission).

Allele frequency attached by ClinVar (database versions not stated): TOPMed 0.00001.

Submission:

Ambry Genetics
Classification: Uncertain significance. Last evaluated: 2025-06-23. Review status: criteria provided, single submitter. Criteria: Ambry Variant Classification Scheme 2023. Collection method: clinical testing. Allele origin: germline.
Comment: The p.N167S variant (also known as c.500A>G), located in coding exon 1 of the EGLN1 gene, results from an A to G substitution at nucleotide position 500. The asparagine at codon 167 is replaced by serine, an amino acid with highly similar properties. This amino acid position is conserved. In addition, this alteration is predicted to be tolerated by in silico analysis. Since supporting evidence is limited at this time, the clinical significance of this alteration remains unclear.